The following is an entry in ClinVar:

ClinVar aggregate classification (germline): Uncertain significance (1 of 4 stars; one submission).

Submission:

GeneDx
Classification: Uncertain significance. Last evaluated: 2025-02-06. Review status: criteria provided, single submitter. Criteria: GeneDx Variant Classification Process June 2021. Collection method: clinical testing. Allele origin: germline. Affected: yes.
Comment: Not observed at significant frequency in large population cohorts (gnomAD); In-frame deletion of 2 amino acids in a non-repeat region; In silico analysis indicates that this variant does not alter protein structure/function; Has not been previously published as pathogenic or benign to our knowledge

NM_205768.3(ZBTB18):c.1444_1449del (p.Arg482_Arg483del)

Gene: ZBTB18 (zinc finger and BTB domain containing 18; plus strand). Cytogenetic location: 1q44.
Variant type: Deletion.
Coding change: c.1444_1449del on transcript NM_205768.3 (MANE Select); coding-DNA positions 1444 to 1449, 6 bases deleted (CGCAGG; older notation c.1444_1449delCGCAGG).
Protein change: p.Arg482_Arg483del.
Molecular consequence: inframe deletion. On other transcripts: 3 prime UTR variant (1).
Genome position (GRCh38, 1-based): chr1:244,055,218-244,055,223, CGCAGG deleted; deleting any 6 consecutive bases within chr1:244,055,217-244,055,223 gives the same sequence; the c. name uses the placement nearest the transcript's 3' end. VCF-style (leftmost placement, unchanged base first): chr1-244055216-AGCGCAG-A. GRCh37 (hg19) VCF-style: chr1-244218518-AGCGCAG-A.
Other names: c.1417_1422del, p.Arg473_Arg474del (NM_001278196.2, NM_006352.5); c.*621_*626del (NM_001421566.1).
Identifiers: ClinVar variation 4074520 (VCV004074520.1).